The following is an entry in ClinVar:

ClinVar aggregate classification (germline): Likely pathogenic (1 of 4 stars; one submission).

Conditions:
ALG6-congenital disorder of glycosylation 1C (CDG1C). Also called: CARBOHYDRATE-DEFICIENT GLYCOPROTEIN SYNDROME, TYPE I, WITH DEFICIENT GLYCOSYLATION OF DOLICHOL-LINKED OLIGOSACCHARIDE; CARBOHYDRATE-DEFICIENT GLYCOPROTEIN SYNDROME, TYPE V; Congenital disorder of glycosylation type 1C; CDG Ic; Congenital disorder of glycosylation, type Ic. Identifiers: Orphanet 79320, MedGen C2930997, MONDO:0011291, OMIM 603147.

Submission:

Myriad Genetics, Inc.
Classification: Likely pathogenic for ALG6-congenital disorder of glycosylation 1C. Last evaluated: 2022-01-02. Review status: criteria provided, single submitter. Criteria: Myriad Women's Health Autosomal Recessive and X-Linked Classification Criteria (2021). Collection method: clinical testing. Allele origin: unknown.
Comment: NM_013339.3(ALG6):c.820A>T(K274*) is expected to be pathogenic in the context of congenital disorder of glycosylation type Ic. This variant is predicted to lead to an abnormal or absent protein product due to the creation of a premature termination codon in ALG6, a gene where loss-of-function variants are known to be pathogenic. Please note: this variant was assessed in the context of healthy population screening.

NM_013339.4(ALG6):c.820A>T (p.Lys274Ter)

Gene: ALG6 (ALG6 alpha-1,3-glucosyltransferase; plus strand). Cytogenetic location: 1p31.3.
Variant type: single nucleotide variant.
Coding change: c.820A>T on transcript NM_013339.4 (MANE Select); coding-DNA position 820, A replaced by T.
Protein change: p.Lys274Ter; replaces lysine 274 with a stop codon.
Molecular consequence: nonsense.
Genome position (GRCh38, 1-based): chr1:63,414,064, A>T. VCF-style: chr1-63414064-A-T. GRCh37 (hg19) VCF-style: chr1-63879735-A-T.
Other names: short protein forms K274*.
Identifiers: ClinVar variation 1726772 (VCV001726772.2), dbSNP rs398124259, ClinGen allele CA340636334.
Genomic context (GRCh38, chr1:63,414,064, plus strand): 5'-GGTTTTAATATTTCTTTCAATTATACCAGAATGTAAAGCTAACAAATCTCTTTTAAGGAT[A>T]AAGTAGCCAATATTTGGTGCAGCTTCAATGTCTTTCTGAAGATTAAGGATATTTTGCCAC-3'